The following is an entry in ClinVar:

NM_148919.4(PSMB8):c.191A>T (p.Asn64Ile)

Gene: PSMB8 (proteasome 20S subunit beta 8; minus strand). Cytogenetic location: 6p21.32.
Variant type: single nucleotide variant.
Coding change: c.191A>T on transcript NM_148919.4 (MANE Select); coding-DNA position 191, A replaced by T.
Protein change: p.Asn64Ile; replaces asparagine 64 with isoleucine.
Molecular consequence: missense variant.
Genome position (GRCh38, 1-based): chr6:32,843,046, T>A on the plus strand (A>T on the coding strand, the complement: PSMB8 is on the minus strand). VCF-style: chr6-32843046-T-A. GRCh37 (hg19) VCF-style: chr6-32810823-T-A.
Other names: c.179A>T, p.Asn60Ile (NM_004159.5); short protein forms N60I, N64I.
Identifiers: ClinVar variation 1499765 (VCV001499765.6), dbSNP rs140150936, ClinGen allele CA3746465.
Genomic context (GRCh38, chr6:32,843,046, plus strand): 5'-ACTCCATGCTGGAACTTGAAGGCGAGCGTGGTGGTGCCATGGGCCATCTCAATCTGAACG[T>A]TCCTTTCTCCGTCCCCACCCAGGGACTGGAAGAATTCTGTGGGCTGATAAGAGAAAAGAG-3'
Protein context (NP_683720.2, residues 54-74): FQSLGGDGER[Asn64Ile]VQIEMAHGTT

ClinVar aggregate classification (germline): Uncertain significance (1 of 4 stars; one submission).

Conditions:
Proteosome-associated autoinflammatory syndrome. Also called: Proteasome-associated autoinflammatory syndrome. Identifiers: Orphanet 324977, MedGen C1850568, MONDO:0009726.

Allele frequency attached by ClinVar (database versions not stated): gnomAD exomes below 0.00001; TOPMed below 0.00001; ExAC 0.00001; gnomAD 0.00001; ESP Exome Variant Server 0.00012.
gnomAD v4.1: 3 of 1,612,986 alleles (0.00019%); highest among the groups gnomAD compares: African/African-American, 0.004%; no homozygotes.

Submission:

Labcorp Genetics (formerly Invitae), Labcorp
Classification: Uncertain significance for Proteosome-associated autoinflammatory syndrome. Last evaluated: 2023-08-30. Review status: criteria provided, single submitter. Criteria: Invitae Variant Classification Sherloc (09022015). Collection method: clinical testing. Allele origin: germline.
Comment: In summary, the available evidence is currently insufficient to determine the role of this variant in disease. Therefore, it has been classified as a Variant of Uncertain Significance. This sequence change replaces asparagine, which is neutral and polar, with isoleucine, which is neutral and non-polar, at codon 64 of the PSMB8 protein (p.Asn64Ile). This variant is not present in population databases (gnomAD no frequency). This variant has not been reported in the literature in individuals affected with PSMB8-related conditions. ClinVar contains an entry for this variant (Variation ID: 1499765). Advanced modeling of protein sequence and biophysical properties (such as structural, functional, and spatial information, amino acid conservation, physicochemical variation, residue mobility, and thermodynamic stability) performed at Invitae indicates that this missense variant is not expected to disrupt PSMB8 protein function.